The following is an entry in ClinVar:

NM_000443.4(ABCB4):c.1558C>T (p.Gln520Ter)

Gene: ABCB4 (ATP binding cassette subfamily B member 4; minus strand). Cytogenetic location: 7q21.12.
Variant type: single nucleotide variant.
Coding change: c.1558C>T on transcript NM_000443.4 (MANE Select); coding-DNA position 1558, C replaced by T.
Protein change: p.Gln520Ter; replaces glutamine 520 with a stop codon.
Molecular consequence: nonsense.
Genome position (GRCh38, 1-based): chr7:87,440,201, G>A on the plus strand (C>T on the coding strand, the complement: ABCB4 is on the minus strand). VCF-style: chr7-87440201-G-A. GRCh37 (hg19) VCF-style: chr7-87069517-G-A.
Other names: c.1558C>T (NM_000443.3); c.1558C>T, p.Gln520Ter (NM_018849.3, NM_018850.3); short protein forms Q520*.
Identifiers: ClinVar variation 4713392 (VCV004713392.2).

ClinVar aggregate classification (germline): Pathogenic/Likely pathogenic. Review status: criteria provided, multiple submitters, no conflicts (2 of 4 stars). 2 submissions from 2 submitters: Pathogenic (1); Likely pathogenic (1). Last evaluated 2026-05-22.

Conditions:
ABCB4-related disorder. Also called: ABCB4-related disorders; ABCB4-related condition.

Submissions (2):

PreventionGenetics, part of Exact Sciences
Classification: Likely pathogenic for ABCB4-related condition. Last evaluated: 2026-05-22. Review status: criteria provided, single submitter. Criteria: ACMG Guidelines, 2015. Collection method: clinical testing. Allele origin: germline.
Comment: The ABCB4 c.1558C>T variant is predicted to result in premature protein termination (p.Gln520*). To our knowledge, this variant has not been reported in the literature. This variant is reported in 0.0065% of alleles in individuals of European (Non-Finnish) descent in gnomAD. Nonsense variants in ABCB4 are expected to be pathogenic. This variant is interpreted as likely pathogenic.

Labcorp Genetics (formerly Invitae), Labcorp
Classification: Pathogenic. Last evaluated: 2025-02-19. Review status: criteria provided, single submitter. Criteria: Invitae Variant Classification Sherloc (09022015). Collection method: clinical testing. Allele origin: germline.
Comment: This sequence change creates a premature translational stop signal (p.Gln520*) in the ABCB4 gene. It is expected to result in an absent or disrupted protein product. Loss-of-function variants in ABCB4 are known to be pathogenic (PMID: 17726488, 25755532). This variant is present in population databases (no rsID available, gnomAD 0.007%). This variant has not been reported in the literature in individuals affected with ABCB4-related conditions. For these reasons, this variant has been classified as Pathogenic.

Literature cited by the submitters: PubMed 17726488 (cited by Labcorp Genetics (formerly Invitae), Labcorp); PubMed 25755532 (cited by Labcorp Genetics (formerly Invitae), Labcorp).